The following is an entry in ClinVar:

ClinVar aggregate classification (germline): Uncertain significance (1 of 4 stars; one submission).

Conditions:
Deficiency of aromatic-L-amino-acid decarboxylase. Also called: AADC DEFICIENCY; DDC DEFICIENCY; DOPA DECARBOXYLASE DEFICIENCY; Aromatic amino acid decarboxylase deficiency; Aromatic L-Amino Acid Decarboxylase Deficiency. Identifiers: Orphanet 35708, MedGen C1291564, MONDO:0012084, OMIM 608643.

Submission:

Department of Paediatric Medicine, Post Graduation Institute of Medical Education and Research
Classification: Uncertain significance for Deficiency of aromatic-L-amino-acid decarboxylase. Last evaluated: 2025-02-19. Review status: criteria provided, single submitter. Criteria: ACMG Guidelines, 2015. Collection method: clinical testing. Allele origin: inherited. Inheritance: Autosomal recessive inheritance. Affected: yes. Observed: 1 variant allele, 1 heterozygote.
Comment: A heterozygous variant c.c.353T>A in exon 4 of DDC gene was detected with another pathogenic variant in trans. Amino acid change p.Met118Lys is not reported in gnomAD and conserved across species. PM2, PP3, PP2

NM_001082971.2(DDC):c.353T>A (p.Met118Lys)

Genes: DDC (dopa decarboxylase; minus strand), DDC-AS1 (DDC antisense RNA 1; plus strand). Cytogenetic location: 7p12.1.
Variant type: single nucleotide variant.
Coding change: c.353T>A on transcript NM_001082971.2 (MANE Select); coding-DNA position 353, T replaced by A.
Protein change: p.Met118Lys; replaces methionine 118 with lysine.
Molecular consequence: missense variant. On other transcripts: intron variant (1).
Genome position (GRCh38, 1-based): chr7:50,537,942, A>T on the plus strand (T>A on the coding strand, the complement: DDC is on the minus strand). VCF-style: chr7-50537942-A-T. GRCh37 (hg19) VCF-style: chr7-50605640-A-T.
Other names: c.353T>A, p.Met118Lys (NM_000790.4, NM_001242887.2, NM_001242889.2 and 1 more transcripts); c.239T>A, p.Met80Lys (NM_001242886.2); c.201+5943T>A (NM_001242888.2); short protein forms M118K, M80K.
Identifiers: ClinVar variation 3765535 (VCV003765535.2).